The following is an entry in ClinVar:

ClinVar aggregate classification (germline): Uncertain significance (1 of 4 stars; one submission).

Conditions:
Hereditary spastic paraplegia 31. Also called: SPASTIC PARAPLEGIA 31, AUTOSOMAL DOMINANT. Identifiers: Orphanet 101011, MedGen C1853247, MONDO:0012453, OMIM 610250.

Allele frequency attached by ClinVar (database versions not stated): TOPMed 0.00004.

Submission:

Labcorp Genetics (formerly Invitae), Labcorp
Classification: Uncertain significance for Hereditary spastic paraplegia 31. Last evaluated: 2025-10-03. Review status: criteria provided, single submitter. Criteria: Invitae Variant Classification Sherloc (09022015). Collection method: clinical testing. Allele origin: germline.
Comment: This sequence change replaces alanine, which is neutral and non-polar, with serine, which is neutral and polar, at codon 195 of the REEP1 protein (p.Ala195Ser). This variant is present in population databases (rs757800031, gnomAD 0.02%). This variant has not been reported in the literature in individuals affected with REEP1-related conditions. ClinVar contains an entry for this variant (Variation ID: 534214). An algorithm developed to predict the effect of missense changes on protein structure and function (PolyPhen-2) suggests that this variant is likely to be disruptive. In summary, the available evidence is currently insufficient to determine the role of this variant in disease. Therefore, it has been classified as a Variant of Uncertain Significance.

NM_001371279.1(REEP1):c.583G>T (p.Ala195Ser)

Gene: REEP1 (receptor accessory protein 1; minus strand). Cytogenetic location: 2p11.2.
Variant type: single nucleotide variant.
Coding change: c.583G>T on transcript NM_001371279.1 (MANE Select); coding-DNA position 583, G replaced by T.
Protein change: p.Ala195Ser; replaces alanine 195 with serine.
Molecular consequence: missense variant. On other transcripts: synonymous variant (1), intron variant (1).
Genome position (GRCh38, 1-based): chr2:86,232,637, C>A on the plus strand (G>T on the coding strand, the complement: REEP1 is on the minus strand). VCF-style: chr2-86232637-C-A. GRCh37 (hg19) VCF-style: chr2-86459760-C-A.
Other names: c.604G>T, p.Ala202Ser (NM_001164730.2); c.502G>T, p.Ala168Ser (NM_001164731.2); c.348G>T, p.Ala116= (NM_001164732.2); c.583G>T, p.Ala195Ser (NM_022912.3); c.418-15527G>T (NM_001371280.1); short protein forms A195S, A202S, A168S.
Identifiers: ClinVar variation 534214 (VCV000534214.8), dbSNP rs757800031, ClinGen allele CA1748687.
Genomic context (GRCh38, chr2:86,232,637, plus strand): 5'-AAGCGAGGCCCAAGGAGTGGGAAAGAGGGGAAGTAAAGTGACACCTACCTGAGCTGCTAG[C>A]GCTCTCAGAAGCACTCCTGGACATCTTAGGCTGGCCGTGTTTGCCGCTGGCCCGCCCAGA-3'
Protein context (NP_001358208.1, residues 185-205): PKMSRSASES[Ala195Ser]SSSVCTCCST